The following is an entry in ClinVar:

NM_004448.4(ERBB2):c.641G>T (p.Ser214Ile)

Gene: ERBB2 (erb-b2 receptor tyrosine kinase 2; plus strand). Cytogenetic location: 17q12.
Variant type: single nucleotide variant.
Coding change: c.641G>T on transcript NM_004448.4 (MANE Select); coding-DNA position 641, G replaced by T.
Protein change: p.Ser214Ile; replaces serine 214 with isoleucine.
Molecular consequence: missense variant. On other transcripts: non-coding transcript variant (1), intron variant (1).
Genome position (GRCh38, 1-based): chr17:39,709,879, G>T. VCF-style: chr17-39709879-G-T. GRCh37 (hg19) VCF-style: chr17-37866132-G-T.
Other names: c.551G>T, p.Ser184Ile (NM_001005862.3, NM_001289938.2, NM_001382782.1 and 1 more transcripts); c.596G>T, p.Ser199Ile (NM_001289936.2); c.641G>T, p.Ser214Ile (NM_001289937.2, NM_001382784.1, NM_001382785.1 and 17 more transcripts); c.716G>T, p.Ser239Ile (NM_001382787.1); c.632G>T, p.Ser211Ile (NM_001382791.1); c.461G>T, p.Ser154Ile (NM_001382799.1); c.74-2049G>T (NM_001382804.1); short protein forms S154I, S184I, S199I, S211I, S214I, S239I.
Identifiers: ClinVar variation 1006720 (VCV001006720.8), dbSNP rs753902254, ClinGen allele CA8533675.

ClinVar aggregate classification (germline): Uncertain significance (1 of 4 stars; one submission).

Allele frequency attached by ClinVar (database versions not stated): TOPMed below 0.00001; ExAC 0.00005; gnomAD exomes 0.00005.
gnomAD v4.1: 28 of 1,613,430 alleles (0.0017%); highest among the groups gnomAD compares: South Asian, 0.031%; no homozygotes.

Submission:

Labcorp Genetics (formerly Invitae), Labcorp
Classification: Uncertain significance. Last evaluated: 2020-10-07. Review status: criteria provided, single submitter. Criteria: Invitae Variant Classification Sherloc (09022015). Collection method: clinical testing. Allele origin: germline.
Comment: This sequence change replaces serine with isoleucine at codon 214 of the ERBB2 protein (p.Ser214Ile). The serine residue is weakly conserved and there is a large physicochemical difference between serine and isoleucine. This variant is present in population databases (rs753902254, ExAC 0.04%). This variant has not been reported in the literature in individuals with ERBB2-related conditions. Algorithms developed to predict the effect of missense changes on protein structure and function output the following: SIFT: "Tolerated"; PolyPhen-2: "Benign"; Align-GVGD: "Class C0". The isoleucine amino acid residue is found in multiple mammalian species, suggesting that this missense change does not adversely affect protein function. These predictions have not been confirmed by published functional studies and their clinical significance is uncertain. In summary, the available evidence is currently insufficient to determine the role of this variant in disease. Therefore, it has been classified as a Variant of Uncertain Significance.